The following is an entry in ClinVar:

NM_020778.5(ALPK3):c.183-118C>G

Gene: ALPK3 (alpha kinase 3; plus strand). Cytogenetic location: 15q25.3.
Variant type: single nucleotide variant.
Coding change: c.183-118C>G on transcript NM_020778.5 (MANE Select); 118 bases into the intron before coding-DNA position 183, C replaced by G.
Molecular consequence: intron variant.
Genome position (GRCh38, 1-based): chr15:84,827,366, C>G. VCF-style: chr15-84827366-C-G. GRCh37 (hg19) VCF-style: chr15-85370597-C-G.
Identifiers: ClinVar variation 678441 (VCV000678441.2), dbSNP rs891286, ClinGen allele CA14109036.

ClinVar aggregate classification (germline): Benign. Review status: criteria provided, multiple submitters, no conflicts (2 of 4 stars). 2 submissions from 2 submitters: Benign (2). Last evaluated 2018-06-15.

Allele frequency attached by ClinVar (database versions not stated): gnomAD 0.84164 and 0.84323; TOPMed 0.84567; 1000 Genomes Project 30x 0.85884; 1000 Genomes Project 0.86282.

Submissions (2):

GeneDx
Classification: Benign. Last evaluated: 2018-06-15. Review status: criteria provided, single submitter. Criteria: GeneDx Variant Classification (06012015). Collection method: clinical testing. Allele origin: germline. Affected: yes.
Comment: This variant is considered likely benign or benign based on one or more of the following criteria: it is a conservative change, it occurs at a poorly conserved position in the protein, it is predicted to be benign by multiple in silico algorithms, and/or has population frequency not consistent with disease.

Breakthrough Genomics
Classification: Benign. Review status: criteria provided, single submitter. Criteria: ACMG Guidelines, 2015. Collection method: not provided. Allele origin: germline. Inheritance: Autosomal recessive inheritance. Affected: yes.